The following is an entry in ClinVar:

NM_003403.5(YY1):c.1219_1237del (p.His407fs)

Gene: YY1 (YY1 transcription factor; plus strand). Cytogenetic location: 14q32.2.
Variant type: Deletion.
Coding change: c.1219_1237del on transcript NM_003403.5 (MANE Select); coding-DNA positions 1219 to 1237, 19 bases deleted (CATGCTAAGGCCAAAAACA).
Protein change: p.His407fs; shifts the reading frame from histidine 407.
Molecular consequence: frameshift variant.
Genome position (GRCh38, 1-based): chr14:100,277,574-100,277,592, CATGCTAAGGCCAAAAACA deleted; deleting any 19 consecutive bases within chr14:100,277,570-100,277,592 gives the same sequence; the c. name uses the placement nearest the transcript's 3' end. VCF-style (leftmost placement, unchanged base first): chr14-100277569-TAACACATGCTAAGGCCAAA-T. GRCh37 (hg19) VCF-style: chr14-100743906-TAACACATGCTAAGGCCAAA-T.
Other names: short protein forms H407fs.
Identifiers: ClinVar variation 4855706 (VCV004855706.1).

ClinVar aggregate classification (germline): Uncertain significance (1 of 4 stars; one submission).

Conditions:
Gabriele de Vries syndrome. Identifiers: Orphanet 506358, MedGen C4479652, MONDO:0044738, OMIM 617557.

Submission:

3billion
Classification: Uncertain significance for Gabriele de Vries syndrome. Last evaluated: 2025-12-08. Review status: criteria provided, single submitter. Criteria: ACMG Guidelines, 2015. Collection method: clinical testing. Allele origin: germline. Affected: yes.
Comment: The variant is not observed in the gnomAD v4.1.0 dataset. Predicted Consequence/Location: Frameshift: predicted to result in a loss or disruption of normal protein function through protein truncation. The predicted truncated protein may be shortened by less than 10%. Therefore, this variant is classified as VUS according to the recommendation of ACMG/AMP guideline.